The following is an entry in ClinVar:

NM_031407.7(HUWE1):c.5707T>C (p.Ser1903Pro)

Gene: HUWE1 (HECT, UBA and WWE domain containing E3 ubiquitin protein ligase 1; minus strand). Cytogenetic location: Xp11.22.
Variant type: single nucleotide variant.
Coding change: c.5707T>C on transcript NM_031407.7 (MANE Select); coding-DNA position 5707, T replaced by C.
Protein change: p.Ser1903Pro; replaces serine 1903 with proline.
Molecular consequence: missense variant.
Genome position (GRCh38, 1-based): chrX:53,580,840, A>G on the plus strand (T>C on the coding strand, the complement: HUWE1 is on the minus strand). VCF-style: chrX-53580840-A-G. GRCh37 (hg19) VCF-style: chrX-53607800-A-G.
Other names: short protein forms S1903P.
Identifiers: ClinVar variation 1801856 (VCV001801856.1), dbSNP rs2525372983, ClinGen allele CA413172993.

ClinVar aggregate classification (germline): Uncertain significance (1 of 4 stars; one submission).

Submission:

GeneDx
Classification: Uncertain significance. Last evaluated: 2022-06-02. Review status: criteria provided, single submitter. Criteria: GeneDx Variant Classification Process June 2021. Collection method: clinical testing. Allele origin: germline. Affected: yes.
Comment: Not observed at significant frequency in large population cohorts (gnomAD); In silico analysis supports that this missense variant does not alter protein structure/function; Has not been previously published as pathogenic or benign to our knowledge